The following is an entry in ClinVar:

ClinVar aggregate classification (germline): Pathogenic (1 of 4 stars; one submission).

Conditions:
Glycogen storage disease due to muscle and heart glycogen synthase deficiency. Also called: GSD 0b; MUSCLE GLYCOGEN SYNTHASE DEFICIENCY. Identifiers: Orphanet 137625, MedGen C1969054, MONDO:0012693, OMIM 611556.

Submission:

Labcorp Genetics (formerly Invitae), Labcorp
Classification: Pathogenic for Glycogen storage disease due to muscle and heart glycogen synthase deficiency. Last evaluated: 2023-10-19. Review status: criteria provided, single submitter. Criteria: Invitae Variant Classification Sherloc (09022015). Collection method: clinical testing. Allele origin: germline.
Comment: This sequence change creates a premature translational stop signal (p.Glu57*) in the GYS1 gene. It is expected to result in an absent or disrupted protein product. Loss-of-function variants in GYS1 are known to be pathogenic (PMID: 17928598, 19699667). This variant is not present in population databases (gnomAD no frequency). This variant has not been reported in the literature in individuals affected with GYS1-related conditions. For these reasons, this variant has been classified as Pathogenic.

Literature cited by the submitters: PubMed 17928598; PubMed 19699667.

NM_002103.5(GYS1):c.169G>T (p.Glu57Ter)

Gene: GYS1 (glycogen synthase 1; minus strand). Cytogenetic location: 19q13.33.
Variant type: single nucleotide variant.
Coding change: c.169G>T on transcript NM_002103.5 (MANE Select); coding-DNA position 169, G replaced by T.
Protein change: p.Glu57Ter; replaces glutamic acid 57 with a stop codon.
Molecular consequence: nonsense.
Genome position (GRCh38, 1-based): chr19:48,991,433, C>A on the plus strand (G>T on the coding strand, the complement: GYS1 is on the minus strand). VCF-style: chr19-48991433-C-A. GRCh37 (hg19) VCF-style: chr19-49494690-C-A.
Other names: c.169G>T, p.Glu57Ter (NM_001161587.2); short protein forms E57*.
Identifiers: ClinVar variation 2770149 (VCV002770149.3), dbSNP rs1269744178, ClinGen allele CA406766778.
Genomic context (GRCh38, chr19:48,991,433, plus strand): 5'-CCTGGGTCCTCACGCCCTGCTCCGTGTACGGCCCCACCAGGAAGTAGTTGTCGCCCCATT[C>A]GTCCCCTGTCACCTTCGCCTTCGTCTGCAGCACCGTGTAGATGCCACCCACTGTGGGCCC-3'